The following is an entry in ClinVar:

ClinVar aggregate classification (germline): Uncertain significance. Review status: criteria provided, multiple submitters, no conflicts (2 of 4 stars). 2 submissions from 2 submitters: Uncertain significance (2). Last evaluated 2025-05-19.

Conditions:
Cone-rod dystrophy 6 (CORD6). Also called: RETINAL CONE DYSTROPHY 2; Cone dystrophy progressive. Identifiers: Orphanet 1872, MedGen C1866293, MONDO:0011143, OMIM 601777.
Leber congenital amaurosis 1 (LCA1). Also called: AMAUROSIS CONGENITA OF LEBER I; RETINAL BLINDNESS, CONGENITAL; Congenital absence of the rods and cones; Leber's congenital tapetoretinal degeneration; Leber's congenital tapetoretinal dysplasia. Identifiers: Orphanet 65, MedGen C2931258, MONDO:0008764, OMIM 204000.
Inborn genetic diseases. Identifiers: MedGen C0950123, MeSH D030342.

Allele frequency attached by ClinVar (database versions not stated): gnomAD exomes 0.00001; gnomAD 0.00002; TOPMed 0.00003.
gnomAD v4.1: 12 of 1,517,106 alleles (0.00079%); highest among the groups gnomAD compares: Admixed American, 0.006%; no homozygotes.

Submissions (2):

Ambry Genetics
Classification: Uncertain significance for Inborn genetic diseases. Last evaluated: 2025-05-19. Review status: criteria provided, single submitter. Criteria: Ambry Variant Classification Scheme 2023. Collection method: clinical testing. Allele origin: germline.

Labcorp Genetics (formerly Invitae), Labcorp
Classification: Uncertain significance for Leber congenital amaurosis 1; Cone-rod dystrophy 6. Last evaluated: 2022-06-16. Review status: criteria provided, single submitter. Criteria: Invitae Variant Classification Sherloc (09022015). Collection method: clinical testing. Allele origin: germline.
Comment: This sequence change replaces alanine, which is neutral and non-polar, with glutamic acid, which is acidic and polar, at codon 131 of the GUCY2D protein (p.Ala131Glu). The frequency data for this variant in the population databases is considered unreliable, as metrics indicate poor data quality at this position in the gnomAD database. This variant has not been reported in the literature in individuals affected with GUCY2D-related conditions. Algorithms developed to predict the effect of missense changes on protein structure and function are either unavailable or do not agree on the potential impact of this missense change (SIFT: "Deleterious"; PolyPhen-2: "Probably Damaging"; Align-GVGD: "Class C0"). In summary, the available evidence is currently insufficient to determine the role of this variant in disease. Therefore, it has been classified as a Variant of Uncertain Significance.

NM_000180.4(GUCY2D):c.392C>A (p.Ala131Glu)

Gene: GUCY2D (guanylate cyclase 2D, retinal; plus strand). Cytogenetic location: 17p13.1.
Variant type: single nucleotide variant.
Coding change: c.392C>A on transcript NM_000180.4 (MANE Select); coding-DNA position 392, C replaced by A.
Protein change: p.Ala131Glu; replaces alanine 131 with glutamic acid.
Molecular consequence: missense variant.
Genome position (GRCh38, 1-based): chr17:8,003,439, C>A. VCF-style: chr17-8003439-C-A. GRCh37 (hg19) VCF-style: chr17-7906757-C-A.
Other names: c.392C>A (NM_000180.3); short protein forms A131E.
Identifiers: ClinVar variation 2149390 (VCV002149390.2), dbSNP rs1346829806, ClinGen allele CA397943351.